The following is an entry in ClinVar:

ClinVar aggregate classification (germline): Conflicting classifications of pathogenicity. Review status: criteria provided, conflicting classifications (1 of 4 stars). 2 submissions from 2 submitters: Pathogenic (1); Uncertain significance (1). Last evaluated 2017-03-05.

Conditions:
Severe X-linked myotubular myopathy (CNMX). Also called: MYOTUBULAR MYOPATHY 1; X-linked centronuclear myopathy; Myotubular myopathy, X-linked. Identifiers: Orphanet 596, MedGen C0410203, MONDO:0010683, OMIM 310400.

Submissions (2):

Labcorp Genetics (formerly Invitae), Labcorp
Classification: Uncertain significance for Severe X-linked myotubular myopathy. Last evaluated: 2017-03-05. Review status: criteria provided, single submitter. Criteria: Invitae Variant Classification Sherloc (09022015). Collection method: clinical testing. Allele origin: germline.
Comment: This sequence change replaces phenylalanine with serine at codon 456 of the MTM1 protein (p.Phe456Ser). The phenylalanine residue is highly conserved and there is a large physicochemical difference between phenylalanine and serine. This variant is not present in population databases (ExAC no frequency) and has not been reported in the literature in individuals with an MTM1-related disease. ClinVar contains an entry for this variant (Variation ID: 158925). Algorithms developed to predict the effect of missense changes on protein structure and function (SIFT, PolyPhen-2, Align-GVGD) all suggest that this variant is likely to be disruptive, but these predictions have not been confirmed by published functional studies. In summary, this variant is a rare missense change with uncertain impact on protein function. There is no indication that it causes disease, but the available evidence is currently insufficient to prove that conclusively. Therefore, it has been classified as a Variant of Uncertain Significance.

Genetic Services Laboratory, University of Chicago
Classification: Pathogenic for Myotubular myopathy, X-linked. Last evaluated: 2013-02-08. Review status: criteria provided, single submitter. Criteria: ACMG Guidelines, 2007. Collection method: clinical testing. Allele origin: germline. Inheritance: X-linked inheritance. Affected: yes.

NM_000252.3(MTM1):c.1367T>C (p.Phe456Ser)

Gene: MTM1 (myotubularin 1; plus strand). Cytogenetic location: Xq28.
Variant type: single nucleotide variant.
Coding change: c.1367T>C on transcript NM_000252.3 (MANE Select); coding-DNA position 1367, T replaced by C.
Protein change: p.Phe456Ser; replaces phenylalanine 456 with serine.
Molecular consequence: missense variant.
Genome position (GRCh38, 1-based): chrX:150,660,384, T>C. VCF-style: chrX-150660384-T-C. GRCh37 (hg19) VCF-style: chrX-149828857-T-C.
Other names: c.1367T>C, p.Phe456Ser (NM_001376906.1, NM_001376908.1); c.1256T>C, p.Phe419Ser (NM_001376907.1); short protein forms F456S, F419S.
Identifiers: ClinVar variation 158925 (VCV000158925.15), dbSNP rs587783783, ClinGen allele CA271791.